The following is an entry in ClinVar:

ClinVar aggregate classification (germline): Uncertain significance. Review status: criteria provided, multiple submitters, no conflicts (2 of 4 stars). 2 submissions from 2 submitters: Uncertain significance (2). Last evaluated 2024-09-06.

Conditions:
Colorectal cancer, susceptibility to, 1. Also called: COLORECTAL ADENOMA AND CANCER, SUSCEPTIBILITY TO; COLORECTAL CANCER, SUSCEPTIBILITY TO, ON CHROMOSOME 9. Identifiers: MedGen C1837315, MONDO:0012132, OMIM 608812.

Allele frequency attached by ClinVar (database versions not stated): gnomAD exomes below 0.00001.
gnomAD v4.1: 5 of 1,614,180 alleles (0.00031%); highest among the groups gnomAD compares: Non-Finnish European, 0.00042%; no homozygotes.

Submissions (2):

Ambry Genetics
Classification: Uncertain significance. Last evaluated: 2024-09-06. Review status: criteria provided, single submitter. Criteria: Ambry Variant Classification Scheme 2023. Collection method: clinical testing. Allele origin: germline.
Comment: The p.R413K variant (also known as c.1238G>A), located in coding exon 7 of the GALNT12 gene, results from a G to A substitution at nucleotide position 1238. The arginine at codon 413 is replaced by lysine, an amino acid with highly similar properties. This amino acid position is highly conserved in available vertebrate species. In addition, this alteration is predicted to be deleterious by in silico analysis. The evidence for this gene-disease relationship is limited; therefore, the clinical significance of this alteration is unclear.

Baylor Genetics
Classification: Uncertain significance for Colorectal cancer, susceptibility to, 1. Last evaluated: 2024-02-11. Review status: criteria provided, single submitter. Criteria: ACMG Guidelines, 2015. Collection method: clinical testing. Allele origin: unknown.

NM_024642.5(GALNT12):c.1238G>A (p.Arg413Lys)

Gene: GALNT12 (polypeptide N-acetylgalactosaminyltransferase 12; plus strand). Cytogenetic location: 9q22.33.
Variant type: single nucleotide variant.
Coding change: c.1238G>A on transcript NM_024642.5 (MANE Select); coding-DNA position 1238, G replaced by A.
Protein change: p.Arg413Lys; replaces arginine 413 with lysine.
Molecular consequence: missense variant.
Genome position (GRCh38, 1-based): chr9:98,840,027, G>A. VCF-style: chr9-98840027-G-A. GRCh37 (hg19) VCF-style: chr9-101602309-G-A.
Other names: short protein forms R413K.
Identifiers: ClinVar variation 1757422 (VCV001757422.4), dbSNP rs2490541238, ClinGen allele CA374220926.